The following is an entry in ClinVar:

ClinVar aggregate classification (germline): Benign (1 of 4 stars; one submission).

Allele frequency attached by ClinVar (database versions not stated): 1000 Genomes Project 0.99387; TOPMed 0.23401.

Submission:

Laboratory for Molecular Medicine, Mass General Brigham Personalized Medicine
Classification: Benign. Last evaluated: 2010-07-19. Review status: criteria provided, single submitter. Criteria: LMM Criteria. Collection method: clinical testing. Allele origin: germline. Observed: 154 variant alleles.
Comment: The c.367AAG[9] (p.Lys123(9)) variant has been reported in the literature and di d not segregate with hearing impairment [Santos 2006]. It has also been previous ly identified by our laboratory in approximately one-third of patients tested an d is reported in the dbSNP database under several aliases including rs10578999, rs56191035, rs34038267. In summary, this variant is considered benign.

Literature cited by the submitters: PubMed 16389551.

NM_147196.3(TMIE):c.367_393= (p.Lys123_Lys131=)

Gene: TMIE (transmembrane inner ear; plus strand). Cytogenetic location: 3p21.31.
Variant type: Indel.
Coding change: c.367_393= on transcript NM_147196.3 (MANE Select); coding-DNA positions 367 to 393, no change from the reference sequence.
Protein change: p.Lys123_Lys131=.
Molecular consequence: no sequence alteration.
Genome position: GRCh38: chr3:46,709,584-46,709,610. GRCh37 (hg19): chr3:46,751,074-46,751,100.
Other names: NM_147196.2:c.367AAG[9]; p.Lys123[9]; c.208_234=, p.Lys70_Lys78= (NM_001370524.1, NM_001370525.1).
Identifiers: ClinVar variation 165461 (VCV000165461.5), dbSNP rs10578999.